The following is an entry in ClinVar:

NM_018082.6(POLR3B):c.2974G>A (p.Gly992Ser)

Genes: POLR3B (RNA polymerase III subunit B; plus strand), LOC100287944 (uncharacterized LOC100287944; minus strand). Cytogenetic location: 12q23.3.
Variant type: single nucleotide variant.
Coding change: c.2974G>A on transcript NM_018082.6 (MANE Select); coding-DNA position 2974, G replaced by A.
Protein change: p.Gly992Ser; replaces glycine 992 with serine.
Molecular consequence: missense variant.
Genome position (GRCh38, 1-based): chr12:106,496,908, G>A. VCF-style: chr12-106496908-G-A. GRCh37 (hg19) VCF-style: chr12-106890686-G-A.
Other names: c.2800G>A, p.Gly934Ser (NM_001160708.2); short protein forms G934S, G992S.
Identifiers: ClinVar variation 2637961 (VCV002637961.1), dbSNP rs1299717482, ClinGen allele CA386393427.

ClinVar aggregate classification (germline): Uncertain significance (1 of 4 stars; one submission).

Conditions:
POLR-related leukodystrophy. Also called: 4H leukodystrophy. Identifiers: Orphanet 289494, MedGen C5679947, MONDO:0100605.

Allele frequency attached by ClinVar (database versions not stated): gnomAD 0.00001; gnomAD exomes 0.00001.
gnomAD v4.1: 11 of 1,613,612 alleles (0.00068%); highest among the groups gnomAD compares: African/African-American, 0.0013%; no homozygotes.

Submission:

Illumina Laboratory Services, Illumina
Classification: Uncertain significance for POLR-related leukodystrophy. Last evaluated: 2023-09-14. Review status: criteria provided, single submitter. Criteria: ICSLVariantClassificationCriteria RUGD 01 April 2020. Collection method: clinical testing. Allele origin: unknown.
Comment: The POLR3B c.2974G>A (p.Gly992Ser) missense variant has not, to our knowledge, been reported in the peer-reviewed literature. This variant is located in RNA polymerase Rpb2, domain 6. The p.Gly992Ser is not observed at a significant frequency in version 2.1.1 or version 3.1.2 of the Genome Aggregation Database. Computational evidence suggests the variant may impact the gene or gene product. Based on the available evidence, the c.2974G>A (p.Gly992Ser) variant is classified as a variant of uncertain significance for POLR3-related leukodystrophy.